The following is an entry in ClinVar:

ClinVar aggregate classification (germline): Uncertain significance (1 of 4 stars; one submission).

gnomAD v4.1: 1 of 1,613,398 alleles (0.000062%); no homozygotes.

Submission:

Labcorp Genetics (formerly Invitae), Labcorp
Classification: Uncertain significance. Last evaluated: 2025-08-03. Review status: criteria provided, single submitter. Criteria: Invitae Variant Classification Sherloc (09022015). Collection method: clinical testing. Allele origin: germline.
Comment: This sequence change replaces leucine, which is neutral and non-polar, with proline, which is neutral and non-polar, at codon 233 of the POLD2 protein (p.Leu233Pro). This variant is present in population databases (rs781290573, gnomAD 0.005%). This variant has not been reported in the literature in individuals affected with POLD2-related conditions. Experimental studies and prediction algorithms are not available or were not evaluated, and the functional significance of this variant is currently unknown. In summary, the available evidence is currently insufficient to determine the role of this variant in disease. Therefore, it has been classified as a Variant of Uncertain Significance.

NM_006230.4(POLD2):c.593T>C (p.Leu198Pro)

Gene: POLD2 (DNA polymerase delta 2, accessory subunit; minus strand). Cytogenetic location: 7p13.
Variant type: single nucleotide variant.
Coding change: c.593T>C on transcript NM_006230.4 (MANE Select); coding-DNA position 593, T replaced by C.
Protein change: p.Leu198Pro; replaces leucine 198 with proline.
Molecular consequence: missense variant.
Genome position (GRCh38, 1-based): chr7:44,117,004, A>G on the plus strand (T>C on the coding strand, the complement: POLD2 is on the minus strand). VCF-style: chr7-44117004-A-G. GRCh37 (hg19) VCF-style: chr7-44156603-A-G.
Other names: c.593T>C, p.Leu198Pro (NM_001127218.3, NM_001256879.2); short protein forms L198P.
Identifiers: ClinVar variation 4724753 (VCV004724753.1).